The following is an entry in ClinVar:

NM_033380.3(COL4A5):c.4325G>A (p.Gly1442Asp)

Gene: COL4A5 (collagen type IV alpha 5 chain; plus strand). Cytogenetic location: Xq22.3.
Variant type: single nucleotide variant.
Coding change: c.4325G>A on transcript NM_033380.3 (MANE Select); coding-DNA position 4325, G replaced by A.
Protein change: p.Gly1442Asp; replaces glycine 1442 with aspartic acid.
Molecular consequence: missense variant.
Genome position (GRCh38, 1-based): chrX:108,687,491, G>A. VCF-style: chrX-108687491-G-A. GRCh37 (hg19) VCF-style: chrX-107930721-G-A.
Other names: c.4307G>A, p.Gly1436Asp (NM_000495.5); short protein forms G1436D, G1442D.
Identifiers: ClinVar variation 1179036 (VCV001179036.7), dbSNP rs2147991184, ClinGen allele CA413853940.

ClinVar aggregate classification (germline): Likely pathogenic. Review status: criteria provided, multiple submitters, no conflicts (2 of 4 stars). 2 submissions from 2 submitters: Likely pathogenic (2). Last evaluated 2024-06-25.

Conditions:
X-linked Alport syndrome (ATS1). Also called: COL4A5-Related Nephropathy; NEPHROPATHY AND DEAFNESS, X-LINKED. Identifiers: Orphanet 63, Orphanet 88917, MedGen C4746986, MONDO:0010520, OMIM 301050.

Submissions (2):

Labcorp Genetics (formerly Invitae), Labcorp
Classification: Likely pathogenic. Last evaluated: 2024-06-25. Review status: criteria provided, single submitter. Criteria: Invitae Variant Classification Sherloc (09022015). Collection method: clinical testing. Allele origin: germline.
Comment: This sequence change replaces glycine, which is neutral and non-polar, with aspartic acid, which is acidic and polar, at codon 1436 of the COL4A5 protein (p.Gly1436Asp). This variant is not present in population databases (gnomAD no frequency). This variant has not been reported in the literature in individuals affected with COL4A5-related conditions. ClinVar contains an entry for this variant (Variation ID: 1179036). Advanced modeling of protein sequence and biophysical properties (such as structural, functional, and spatial information, amino acid conservation, physicochemical variation, residue mobility, and thermodynamic stability) performed at Invitae indicates that this missense variant is expected to disrupt COL4A5 protein function with a positive predictive value of 95%. This variant disrupts the triple helix domain of COL4A5. Glycine residues within the Gly-Xaa-Yaa repeats of the triple helix domain are required for the structure and stability of fibrillar collagens (PMID: 7695699, 8218237, 19344236). In COL4A5, missense variants at these glycine residues are significantly enriched in individuals with disease (PMID: 23720012, 27627812) compared to the general population (ExAC). In summary, the currently available evidence indicates that the variant is pathogenic, but additional data are needed to prove that conclusively. Therefore, this variant has been classified as Likely Pathogenic.

Fulgent Genetics
Classification: Likely pathogenic for X-linked Alport syndrome. Last evaluated: 2021-06-30. Review status: criteria provided, single submitter. Criteria: ACMG Guidelines, 2015. Collection method: clinical testing. Allele origin: unknown.
Comment: This variant has been detected in individual(s) who were sent for testing of Renasight - kidney gene panel.

Literature cited by the submitters: PubMed 7695699 (cited by Labcorp Genetics (formerly Invitae), Labcorp); PubMed 8218237 (cited by Labcorp Genetics (formerly Invitae), Labcorp); PubMed 19344236 (cited by Labcorp Genetics (formerly Invitae), Labcorp); PubMed 23720012 (cited by Labcorp Genetics (formerly Invitae), Labcorp); PubMed 27627812 (cited by Labcorp Genetics (formerly Invitae), Labcorp).